The following is an entry in ClinVar:

ClinVar aggregate classification (germline): Likely pathogenic (1 of 4 stars; one submission).

Allele frequency attached by ClinVar (database versions not stated): gnomAD exomes below 0.00001; ExAC 0.00001.

Submission:

GeneDx
Classification: Likely pathogenic. Last evaluated: 2017-07-26. Review status: criteria provided, single submitter. Criteria: GeneDx Variant Classification (06012015). Collection method: clinical testing. Allele origin: germline. Affected: yes.
Comment: The c.3657_3669dup13 variant in the CNTNAP2 gene has not been reported previously as a pathogenic variant nor as a benign variant, to our knowledge. This duplication causes a frameshift starting with codon Methionine 1224, changes this amino acid to an Aspartic Acid residue, and creates a premature Stop codon at position 27 of the new reading frame, denoted p.Met1224AspfsX27. This variant is predicted to cause loss of normal protein function either through protein truncation or nonsense-mediated mRNA decay. The c.3657_3669dup13 variant is not observed in large population cohorts (Lek et al., 2016; 1000 Genomes Consortium et al., 2015; Exome Variant Server). Based on currently available evidence, we interpret c.3657_3669dup13 as a likely pathogenic variant.

NM_014141.6(CNTNAP2):c.3657_3669dup (p.Met1224fs)

Gene: CNTNAP2 (contactin associated protein 2; plus strand). Cytogenetic location: 7q36.1.
Variant type: Duplication.
Coding change: c.3657_3669dup on transcript NM_014141.6 (MANE Select); coding-DNA positions 3657 to 3669, 13 bases duplicated (GACCCTCTCCCCC).
Protein change: p.Met1224fs; shifts the reading frame from methionine 1224.
Molecular consequence: frameshift variant.
Genome position (GRCh38, 1-based): chr7:148,383,830-148,383,842, GACCCTCTCCCCC duplicated. VCF-style (leftmost placement, unchanged base first): chr7-148383829-T-TGACCCTCTCCCCC. GRCh37 (hg19) VCF-style: chr7-148080921-T-TGACCCTCTCCCCC.
Other names: c.3657_3669dupGACCCTCTCCCCC (NM_014141.5); short protein forms M1224fs.
Identifiers: ClinVar variation 450809 (VCV000450809.2), dbSNP rs770489662, ClinGen allele CA4546720.